The following is an entry in ClinVar:

ClinVar aggregate classification (germline): Uncertain significance. Review status: criteria provided, multiple submitters, no conflicts (2 of 4 stars). 2 submissions from 2 submitters: Uncertain significance (2). Last evaluated 2025-08-11.

Conditions:
Inborn genetic diseases. Identifiers: MedGen C0950123, MeSH D030342.

Allele frequency attached by ClinVar (database versions not stated): ExAC 0.00001; gnomAD 0.00001; gnomAD exomes 0.00002; TOPMed 0.00002; ESP Exome Variant Server 0.00008.
gnomAD v4.1: 25 of 1,600,064 alleles (0.0016%); highest among the groups gnomAD compares: Admixed American, 0.0034%; no homozygotes.

Submissions (2):

Ambry Genetics
Classification: Uncertain significance for Inborn genetic diseases. Last evaluated: 2025-08-11. Review status: criteria provided, single submitter. Criteria: Ambry Variant Classification Scheme 2023. Collection method: clinical testing. Allele origin: germline.

Labcorp Genetics (formerly Invitae), Labcorp
Classification: Uncertain significance. Last evaluated: 2021-12-23. Review status: criteria provided, single submitter. Criteria: Invitae Variant Classification Sherloc (09022015). Collection method: clinical testing. Allele origin: germline.
Comment: This sequence change replaces arginine, which is basic and polar, with histidine, which is basic and polar, at codon 488 of the ADAMTS10 protein (p.Arg488His). This variant is present in population databases (rs145864535, gnomAD 0.007%). This variant has not been reported in the literature in individuals affected with ADAMTS10-related conditions. Algorithms developed to predict the effect of missense changes on protein structure and function are either unavailable or do not agree on the potential impact of this missense change (SIFT: "Deleterious"; PolyPhen-2: "Benign"; Align-GVGD: "Class C25"). In summary, the available evidence is currently insufficient to determine the role of this variant in disease. Therefore, it has been classified as a Variant of Uncertain Significance.

NM_030957.4(ADAMTS10):c.1463G>A (p.Arg488His)

Gene: ADAMTS10 (ADAM metallopeptidase with thrombospondin type 1 motif 10; minus strand). Cytogenetic location: 19p13.2.
Variant type: single nucleotide variant.
Coding change: c.1463G>A on transcript NM_030957.4 (MANE Select); coding-DNA position 1463, G replaced by A.
Protein change: p.Arg488His; replaces arginine 488 with histidine.
Molecular consequence: missense variant.
Genome position (GRCh38, 1-based): chr19:8,595,778, C>T on the plus strand (G>A on the coding strand, the complement: ADAMTS10 is on the minus strand). VCF-style: chr19-8595778-C-T. GRCh37 (hg19) VCF-style: chr19-8660662-C-T.
Other names: c.1463G>A (NM_030957.2); short protein forms R488H.
Identifiers: ClinVar variation 1407028 (VCV001407028.5), dbSNP rs145864535, ClinGen allele CA9160513.
Genomic context (GRCh38, chr19:8,595,778, plus strand): 5'-GCCCCCTCCCCTCCCAGGAAGGAAAGCAGGAAGACTCTCTCTACCCCGTATTTACACTGA[C>T]GCGATTTGACTCCATGCTGAAAGCGGCATTGCTCATCTGCATCGTAGGCTTGGCCCGGTG-3'
Protein context (NP_112219.3, residues 478-498): QCRFQHGVKS[Arg488His]QCKYGEVCSE